The following is an entry in ClinVar:

NM_001386298.1(CIC):c.3407A>G (p.Asn1136Ser)

Gene: CIC (capicua transcriptional repressor; plus strand). Cytogenetic location: 19q13.2.
Variant type: single nucleotide variant.
Coding change: c.3407A>G on transcript NM_001386298.1 (MANE Select); coding-DNA position 3407, A replaced by G.
Protein change: p.Asn1136Ser; replaces asparagine 1136 with serine.
Molecular consequence: missense variant.
Genome position (GRCh38, 1-based): chr19:42,287,642, A>G. VCF-style: chr19-42287642-A-G. GRCh37 (hg19) VCF-style: chr19-42791794-A-G.
Other names: c.3407A>G, p.Asn1136Ser (NM_001304815.2, NM_001379480.1, NM_001379482.1); c.680A>G, p.Asn227Ser (NM_001379484.1, NM_001379485.1, NM_015125.5); short protein forms N1136S, N227S.
Identifiers: ClinVar variation 973295 (VCV000973295.11), dbSNP rs2037753806, ClinGen allele CA406098082.

ClinVar aggregate classification (germline): Likely pathogenic. Review status: criteria provided, multiple submitters, no conflicts (2 of 4 stars). 6 submissions from 6 submitters: Likely pathogenic (6). Last evaluated 2025-09-29.

Conditions:
CIC-related neurodevelopmental disorders.
Intellectual developmental disorder, autosomal dominant 45. Also called: Intellectual disability, autosomal dominant 45; MENTAL RETARDATION, AUTOSOMAL DOMINANT 45. Identifiers: MedGen C4539848, MONDO:0030910, OMIM 617600.

Submissions (6):

OLLIN Analises Genomicas, OLLIN
Classification: Likely pathogenic for Intellectual developmental disorder, autosomal dominant 45. Last evaluated: 2025-09-29. Review status: criteria provided, single submitter. Criteria: ACMG Guidelines 2015 PMID 25741868. Collection method: clinical testing. Allele origin: germline. Affected: yes. Observed: 1 variant allele.
Comment: The missense variant (chr19:42287642A>G), located in exon 5 (of 20), absent in gnomAD v4.1 non-UKB, is reported in ClinVar (VCV000973295.10) and in the scientific literature, also being identified de novo in individuals with intellectual disability (PMID: 24307393). In silico analysis predicts that this variant has a deleterious effect. According to currently available evidence, this variant has been classified as likely pathogenic (PS2, PS4_M, PM2_P, PP3).

Institute of Human Genetics, University of Leipzig Medical Center
Classification: Likely pathogenic for Intellectual developmental disorder, autosomal dominant 45. Last evaluated: 2024-08-23. Review status: criteria provided, single submitter. Criteria: ACMG Guidelines, 2015. Collection method: clinical testing. Allele origin: unknown. Inheritance: Autosomal dominant inheritance. Affected: yes.
Comment: Criteria applied: PS2,PS4_MOD,PM2,PP3

Institute of Medical Genetics and Applied Genomics, University Hospital Tübingen
Classification: Likely pathogenic. Last evaluated: 2020-10-23. Review status: criteria provided, single submitter. Criteria: ACMG Guidelines, 2015. Collection method: clinical testing. Allele origin: germline. Inheritance: Autosomal dominant inheritance. Affected: yes.

Illumina Laboratory Services, Illumina
Classification: Likely pathogenic for CIC-related neurodevelopmental disorders. Last evaluated: 2019-12-06. Review status: criteria provided, single submitter. Criteria: ICSLVariantClassificationCriteria RUGD 01 April 2020. Collection method: clinical testing. Allele origin: unknown.
Comment: In addition, no malformations or seizures were noted. Additional clinical feature were not described (Athanasakis et al. 2014). This variant is not found in the Genome Aggregation Database in a region of good sequence coverage, so the variant is presumed to be rare. Even though clinical evidence for the variant is limited, based on the de novo nature of the variant and absence from population frequency databases, the p.Asn227Ser variant is classified as likely pathogenic for CIC-related neurodevelopmental disorders.

Rady Children's Institute for Genomic Medicine, Rady Children's Hospital San Diego
Classification: Likely pathogenic for Mental retardation, autosomal dominant 45. Last evaluated: 2019-11-19. Review status: criteria provided, single submitter. Criteria: ACMG Guidelines, 2015. Collection method: clinical testing. Allele origin: germline. Affected: yes.
Comment: This variant has been previously reported as a de novo change in a patient with intellectual disability (ID) (PMID: 24307393). It is absent from the ExAC and gnomAD population databases and thus is presumed to be rare. In silico analyses support a deleterious effect of the c.680A>G, p.Asn227Ser variant on protein function. Analysis of the parental samples was negative for the variant, indicating this variant likely occurred as a de novo event. Based on the available evidence, the c.680A>G, p.Asn227Ser variant is classified as Likely Pathogenic.

Juno Genomics, Hangzhou Juno Genomics, Inc
Classification: Likely pathogenic for Intellectual developmental disorder, autosomal dominant 45. Review status: criteria provided, single submitter. Criteria: ACMG Guidelines, 2015. Collection method: clinical testing. Allele origin: germline. Affected: yes.
Comment: Absent from controls (or at extremely low frequency if recessive) in Genome Aggregation Database, Exome Sequencing Project, 1000 Genomes Project, or Exome Aggregation Consortium.;Multiple lines of computational evidence support a deleterious effect on the gene or gene product (conservation, evolutionary, splicing impact, etc).;De novo (both maternity and paternity confirmed) in a patient with the disease and no family history.;The prevalence of the variant in affected individuals is significantly increased compared to the prevalence in controls.

Literature cited by the submitters: PubMed 24307393 (cited by OLLIN Analises Genomicas, OLLIN and Illumina Laboratory Services, Illumina).